The following is an entry in ClinVar:

ClinVar aggregate classification (germline): Likely benign (1 of 4 stars; one submission).

Submission:

CeGaT Center for Human Genetics Tuebingen
Classification: Likely benign. Last evaluated: 2026-01-01. Review status: criteria provided, single submitter. Criteria: CeGaT Center For Human Genetics Tuebingen Variant Classification Criteria Version 2. Collection method: clinical testing. Allele origin: germline. Affected: yes. Observed: 1 variant allele.
Comment: HNRNPCL1: BP4, BP7

NM_001013631.3(HNRNPCL1):c.105G>T (p.Ala35=)

Gene: HNRNPCL1 (heterogeneous nuclear ribonucleoprotein C like 1; minus strand). Cytogenetic location: 1p36.21.
Variant type: single nucleotide variant.
Coding change: c.105G>T on transcript NM_001013631.3 (MANE Select); coding-DNA position 105, G replaced by T.
Protein change: p.Ala35=; no amino-acid change (alanine 35 retained).
Molecular consequence: synonymous variant.
Genome position (GRCh38, 1-based): chr1:12,848,185, C>A on the plus strand (G>T on the coding strand, the complement: HNRNPCL1 is on the minus strand). VCF-style: chr1-12848185-C-A. GRCh37 (hg19) VCF-style: chr1-12908038-C-A.
Identifiers: ClinVar variation 4822999 (VCV004822999.4).